The following is an entry in ClinVar:

NM_001374828.1(ARID1B):c.3217A>G (p.Met1073Val)

Gene: ARID1B (AT-rich interaction domain 1B; plus strand). Cytogenetic location: 6q25.3.
Variant type: single nucleotide variant.
Coding change: c.3217A>G on transcript NM_001374828.1 (MANE Select); coding-DNA position 3217, A replaced by G.
Protein change: p.Met1073Val; replaces methionine 1073 with valine.
Molecular consequence: missense variant.
Genome position (GRCh38, 1-based): chr6:157,167,167, A>G. VCF-style: chr6-157167167-A-G. GRCh37 (hg19) VCF-style: chr6-157488301-A-G.
Other names: c.3007A>G, p.Met1003Val (NM_020732.3); c.718A>G, p.Met240Val (NM_001363725.2); c.3256A>G, p.Met1086Val (NM_001371656.1, NM_001374820.1); c.3217A>G, p.Met1073Val (NM_017519.3); short protein forms M1003V, M240V, M1073V, M1086V.
Identifiers: ClinVar variation 390622 (VCV000390622.5), dbSNP rs764460073, ClinGen allele CA4067234.
Genomic context (GRCh38, chr6:157,167,167, plus strand): 5'-ATGAACAACAGCTCTAGCCTGATGAACACGCAGGCGCCGCCCTACAGCATGGCGCCCGCC[A>G]TGGTGAACAGCTCGGCAGGTAACCTTGGCAGCTCTGCGCTCCTGAGCCCCTCTCTCTCCC-3'
Protein context (NP_001361757.1, residues 1063-1083): QAPPYSMAPA[Met1073Val]VNSSAASVGL

ClinVar aggregate classification (germline): Conflicting classifications of pathogenicity. Review status: criteria provided, conflicting classifications (1 of 4 stars). 3 submissions from 3 submitters: Uncertain significance (1); Likely benign (2). Last evaluated 2024-11-18.

Conditions:
Inborn genetic diseases. Identifiers: MedGen C0950123, MeSH D030342.

Allele frequency attached by ClinVar (database versions not stated): gnomAD exomes below 0.00001 and 0.00001; ExAC 0.00001; gnomAD 0.00002; TOPMed 0.00003.

Submissions (3):

Labcorp Genetics (formerly Invitae), Labcorp
Classification: Likely benign. Last evaluated: 2024-11-18. Review status: criteria provided, single submitter. Criteria: Invitae Variant Classification Sherloc (09022015). Collection method: clinical testing. Allele origin: germline.

Ambry Genetics
Classification: Likely benign for Inborn genetic diseases. Last evaluated: 2024-01-09. Review status: criteria provided, single submitter. Criteria: Ambry Variant Classification Scheme 2023. Collection method: clinical testing. Allele origin: germline.

GeneDx
Classification: Uncertain significance. Last evaluated: 2016-11-09. Review status: criteria provided, single submitter. Criteria: GeneDx Variant Classification (06012015). Collection method: clinical testing. Allele origin: germline. Affected: yes.
Comment: The M1003V variant in the ARID1B gene has not been reported previously as a pathogenic variant, nor as a benign variant, to our knowledge. The M1003V variant was not observed in approximately 6,500 individuals of European and African American ancestry in the NHLBI Exome Sequencing Project, indicating it is not a common benign variant in these populations. The M1003V variant is a conservative amino acid substitution, which is not likely to impact secondary protein structure as these residues share similar properties. This substitution occurs at a position where amino acids with similar properties to Methionine are tolerated across species. In silico analysis is inconsistent in its predictions as to whether or not the variant is damaging to the protein structure/function. We interpret M1003V as a variant of uncertain significance.